The following is an entry in ClinVar:

ClinVar aggregate classification (germline): Uncertain significance. Review status: criteria provided, multiple submitters, no conflicts (2 of 4 stars). 4 submissions from 4 submitters: Uncertain significance (4). Last evaluated 2025-08-06.

Conditions:
Coenzyme Q10 deficiency, primary, 3 (COQ10D3). Identifiers: Orphanet 255249, MedGen C3553358, MONDO:0013838, OMIM 614652.
Inborn genetic diseases. Identifiers: MedGen C0950123, MeSH D030342.

Allele frequency attached by ClinVar (database versions not stated): ESP Exome Variant Server 0.00008; 1000 Genomes Project 0.00040; 1000 Genomes Project 30x 0.00047.
gnomAD v4.1: 57 of 1,614,202 alleles (0.0035%); highest among the groups gnomAD compares: South Asian, 0.054%; 2 homozygotes.

Submissions (4):

Ambry Genetics
Classification: Uncertain significance for Inborn genetic diseases. Last evaluated: 2025-08-06. Review status: criteria provided, single submitter. Criteria: Ambry Variant Classification Scheme 2023. Collection method: clinical testing. Allele origin: germline.

Labcorp Genetics (formerly Invitae), Labcorp
Classification: Uncertain significance. Last evaluated: 2025-03-17. Review status: criteria provided, single submitter. Criteria: Invitae Variant Classification Sherloc (09022015). Collection method: clinical testing. Allele origin: germline.
Comment: This sequence change replaces arginine, which is basic and polar, with threonine, which is neutral and polar, at codon 385 of the PDSS2 protein (p.Arg385Thr). This variant is present in population databases (rs147723975, gnomAD 0.05%). This variant has not been reported in the literature in individuals affected with PDSS2-related conditions. ClinVar contains an entry for this variant (Variation ID: 2415087). Invitae Evidence Modeling of protein sequence and biophysical properties (such as structural, functional, and spatial information, amino acid conservation, physicochemical variation, residue mobility, and thermodynamic stability) indicates that this missense variant is not expected to disrupt PDSS2 protein function with a negative predictive value of 80%. In summary, the available evidence is currently insufficient to determine the role of this variant in disease. Therefore, it has been classified as a Variant of Uncertain Significance.

Fulgent Genetics
Classification: Uncertain significance for Coenzyme Q10 deficiency, primary, 3. Last evaluated: 2024-04-08. Review status: criteria provided, single submitter. Criteria: ACMG Guidelines, 2015. Collection method: clinical testing. Allele origin: germline.

Breakthrough Genomics
Classification: Uncertain significance. Review status: criteria provided, single submitter. Criteria: ACMG Guidelines, 2015. Collection method: not provided. Allele origin: germline. Inheritance: Autosomal recessive inheritance. Affected: yes.

NM_020381.4(PDSS2):c.1154G>C (p.Arg385Thr)

Gene: PDSS2 (decaprenyl diphosphate synthase subunit 2; minus strand). Cytogenetic location: 6q21.
Variant type: single nucleotide variant.
Coding change: c.1154G>C on transcript NM_020381.4 (MANE Select); coding-DNA position 1154, G replaced by C.
Protein change: p.Arg385Thr; replaces arginine 385 with threonine.
Molecular consequence: missense variant.
Genome position (GRCh38, 1-based): chr6:107,154,665, C>G on the plus strand (G>C on the coding strand, the complement: PDSS2 is on the minus strand). VCF-style: chr6-107154665-C-G. GRCh37 (hg19) VCF-style: chr6-107475869-C-G.
Other names: c.1154G>C (NM_020381.3); short protein forms R385T.
Identifiers: ClinVar variation 2415087 (VCV002415087.8), dbSNP rs147723975, ClinGen allele CA3945894.